The following is an entry in ClinVar:

ClinVar aggregate classification (germline): Uncertain significance (1 of 4 stars; one submission).

Conditions:
Short-rib thoracic dysplasia 13 with or without polydactyly (SRTD13). Identifiers: Orphanet 474, MedGen C4225378, MONDO:0014577, OMIM 616300.

Allele frequency attached by ClinVar (database versions not stated): gnomAD exomes below 0.00001.
gnomAD v4.1: 8 of 1,613,946 alleles (0.0005%); highest among the groups gnomAD compares: Middle Eastern, 0.033%; 1 homozygote.

Submission:

Labcorp Genetics (formerly Invitae), Labcorp
Classification: Uncertain significance for Short-rib thoracic dysplasia 13 with or without polydactyly. Last evaluated: 2021-09-02. Review status: criteria provided, single submitter. Criteria: Invitae Variant Classification Sherloc (09022015). Collection method: clinical testing. Allele origin: germline.
Comment: This sequence change replaces alanine with threonine at codon 157 of the CEP120 protein (p.Ala157Thr). The alanine residue is highly conserved and there is a small physicochemical difference between alanine and threonine. This variant is not present in population databases (ExAC no frequency). This variant has not been reported in the literature in individuals affected with CEP120-related conditions. Algorithms developed to predict the effect of missense changes on protein structure and function (SIFT, PolyPhen-2, Align-GVGD) all suggest that this variant is likely to be tolerated. In summary, the available evidence is currently insufficient to determine the role of this variant in disease. Therefore, it has been classified as a Variant of Uncertain Significance.

NM_001375405.1(CEP120):c.469G>A (p.Ala157Thr)

Gene: CEP120 (centrosomal protein 120; minus strand). Cytogenetic location: 5q23.2.
Variant type: single nucleotide variant.
Coding change: c.469G>A on transcript NM_001375405.1 (MANE Select); coding-DNA position 469, G replaced by A.
Protein change: p.Ala157Thr; replaces alanine 157 with threonine.
Molecular consequence: missense variant. On other transcripts: 5 prime UTR variant (2), non-coding transcript variant (1).
Genome position (GRCh38, 1-based): chr5:123,399,279, C>T on the plus strand (G>A on the coding strand, the complement: CEP120 is on the minus strand). VCF-style: chr5-123399279-C-T. GRCh37 (hg19) VCF-style: chr5-122734973-C-T.
Other names: c.391G>A, p.Ala131Thr (NM_001166226.2); c.469G>A, p.Ala157Thr (NM_001375406.1, NM_001375407.1, NM_153223.4); c.-105G>A (NM_001375408.1, NM_001375409.1); short protein forms A157T, A131T.
Identifiers: ClinVar variation 566211 (VCV000566211.6), dbSNP rs1379324177, ClinGen allele CA360893573.